The following is an entry in ClinVar:

ClinVar aggregate classification (germline): Pathogenic (1 of 4 stars; one submission).

Submission:

Labcorp Genetics (formerly Invitae), Labcorp
Classification: Pathogenic. Last evaluated: 2025-04-01. Review status: criteria provided, single submitter. Criteria: Invitae Variant Classification Sherloc (09022015). Collection method: clinical testing. Allele origin: germline.
Comment: This sequence change creates a premature translational stop signal (p.Ser11Phefs*49) in the TOE1 gene. It is expected to result in an absent or disrupted protein product. Loss-of-function variants in TOE1 are known to be pathogenic (PMID: 28092684, 34716526). This variant is present in population databases (no rsID available, gnomAD 0.008%). This variant has not been reported in the literature in individuals affected with TOE1-related conditions. For these reasons, this variant has been classified as Pathogenic.

Literature cited by the submitters: PubMed 28092684; PubMed 34716526.

NM_025077.4(TOE1):c.31dup (p.Ser11fs)

Genes: MUTYH (mutY DNA glycosylase; minus strand), TOE1 (target of EGR1, exonuclease; plus strand). Cytogenetic location: 1p34.1.
Variant type: Duplication.
Coding change: c.31dup on transcript NM_025077.4 (MANE Select); coding-DNA position 31, one base duplicated (T; older notation c.31dupT).
Protein change: p.Ser11fs; shifts the reading frame from serine 11.
Molecular consequence: frameshift variant. On other transcripts: 5 prime UTR variant (12), non-coding transcript variant (3).
Genome position (GRCh38, 1-based): chr1:45,340,283, T duplicated; the last of 3 consecutive T bases (chr1:45,340,281-45,340,283); duplicating any one gives the same sequence. VCF-style (leftmost placement, unchanged base first): chr1-45340280-G-GT. GRCh37 (hg19) VCF-style: chr1-45805952-G-GT.
Other names: c.-27dup (NM_012222.3, NM_001128425.2, NM_001293190.2 and 2 more transcripts); c.-69dup (NM_001048171.2); c.-281dup (NM_001293192.2); c.-340dup (NM_001350650.2); c.-276dup (NM_001350651.2); c.-85dup (NM_001407070.1, NM_001407071.1); c.-65dup (NM_001407072.1); short protein forms S11fs.
Identifiers: ClinVar variation 3690402 (VCV003690402.2).
Genomic context (GRCh38, chr1:45,340,280, plus strand): 5'-CACAGACGACTCAGGCGGGAGACGAGCGGTGTCATGGCCGCCGACAGTGACGATGGCGCA[G>GT]TTTCAGCTCCCGCAGCTTCCGACGGTGAGCGGCTTCCCAGAGGTAGCCTTCAAAGCCTCT-3'